The following is an entry in ClinVar:

ClinVar aggregate classification (germline): Uncertain significance (0 of 4 stars; one submission).

Conditions:
SDCCAG8-related disorder. Also called: SDCCAG8-Related Disorders; SDCCAG8-related condition.

Submission:

PreventionGenetics, part of Exact Sciences
Classification: Uncertain significance for SDCCAG8-related condition. Last evaluated: 2023-11-12. Review status: no assertion criteria provided. Collection method: clinical testing. Allele origin: germline.
Comment: The SDCCAG8 c.2135_2138dupATTG variant is predicted to result in premature protein termination (p.Cys713*). To our knowledge, this variant has not been reported in the literature. This variant is located within the last exon of the NM_006642.3 transcript and is not expected to result in nonsense-mediated decay. This variant is reported in 1 of 848 (0.12%) alleles in individuals of Latino descent in gnomAD. At this time, the clinical significance of this variant is uncertain due to the absence of conclusive functional and genetic evidence.

NM_006642.5(SDCCAG8):c.2135_2138dup (p.Cys713Ter)

Genes: AKT3 (AKT serine/threonine kinase 3; minus strand), SDCCAG8 (SHH signaling and ciliogenesis regulator SDCCAG8; plus strand). Cytogenetic location: 1q43.
Variant type: Duplication.
Coding change: c.2135_2138dup on transcript NM_006642.5 (MANE Select); coding-DNA positions 2135 to 2138, 4 bases duplicated (ATTG; older notation c.2135_2138dupATTG).
Protein change: p.Cys713Ter; replaces cysteine 713 with a stop codon.
Molecular consequence: nonsense. On other transcripts: frameshift variant (2), 3 prime UTR variant (2).
Genome position (GRCh38, 1-based): chr1:243,499,778-243,499,781, ATTG duplicated; duplicating any 4 consecutive bases within chr1:243,499,776-243,499,781 gives the same sequence; the c. name uses the placement nearest the transcript's 3' end. VCF-style (leftmost placement, unchanged base first): chr1-243499775-C-CTGAT. GRCh37 (hg19) VCF-style: chr1-243663077-C-CTGAT.
Other names: c.1362_1365dup, p.Asp456fs (NM_001206729.2, NM_181690.2); c.*5470_*5473dup (NM_001370074.1, NM_005465.7); c.1232_1235dup, p.Cys412Ter (NM_001350246.2, NM_001350247.2, NM_001350251.2); c.2231_2234dup, p.Cys745Ter (NM_001350248.2); c.1841_1844dup, p.Cys615Ter (NM_001350249.2); short protein forms C412*, C615*, C713*, C745*, D456fs.
Identifiers: ClinVar variation 3348655 (VCV003348655.1).